The following is an entry in ClinVar:

ClinVar aggregate classification (germline): Likely benign. Review status: criteria provided, multiple submitters, no conflicts (2 of 4 stars). 3 submissions from 3 submitters: Likely benign (2). 1 of the submissions does not count toward it. Last evaluated 2026-01-27.

Conditions:
CACNA1D-related disorder.

Allele frequency attached by ClinVar (database versions not stated): ExAC 0.00006; gnomAD 0.00007 and 0.00008; gnomAD exomes 0.00007; ESP Exome Variant Server 0.00008; TOPMed 0.00008.
gnomAD v4.1: 182 of 1,614,070 alleles (0.011%); highest among the groups gnomAD compares: Non-Finnish European, 0.014%; no homozygotes.

Submissions (3):

Labcorp Genetics (formerly Invitae), Labcorp
Classification: Likely benign. Last evaluated: 2026-01-27. Review status: criteria provided, single submitter. Criteria: Invitae Variant Classification Sherloc (09022015). Collection method: clinical testing. Allele origin: germline.

Blueprint Genetics
Classification: Likely benign. Last evaluated: 2024-06-25. Review status: criteria provided, single submitter. Criteria: ACMG Guidelines, 2015. Collection method: clinical testing. Allele origin: germline.

PreventionGenetics, part of Exact Sciences
Classification: Likely benign for CACNA1D-related condition. Last evaluated: 2019-05-28. Review status: no assertion criteria provided. Collection method: clinical testing. Allele origin: germline. Not counted in ClinVar's aggregate classification.
Comment: This variant is classified as likely benign based on ACMG/AMP sequence variant interpretation guidelines (Richards et al. 2015 PMID: 25741868, with internal and published modifications).

NM_001128840.3(CACNA1D):c.1572G>A (p.Thr524=)

Gene: CACNA1D (calcium voltage-gated channel subunit alpha1 D; plus strand). Cytogenetic location: 3p21.1.
Variant type: single nucleotide variant.
Coding change: c.1572G>A on transcript NM_001128840.3 (MANE Select); coding-DNA position 1572, G replaced by A.
Protein change: p.Thr524=; no amino-acid change (threonine 524 retained).
Molecular consequence: synonymous variant.
Genome position (GRCh38, 1-based): chr3:53,722,380, G>A. VCF-style: chr3-53722380-G-A. GRCh37 (hg19) VCF-style: chr3-53756407-G-A.
Other names: c.1632G>A, p.Thr544= (NM_000720.4); c.1572G>A, p.Thr524= (NM_001128839.3); c.1632G>A (NM_000720.3).
Identifiers: ClinVar variation 1565370 (VCV001565370.11), dbSNP rs201768852, ClinGen allele CA2454036.
Genomic context (GRCh38, chr3:53,722,380, plus strand): 5'-CTGGCGTCGCTGGAACCGATTCAATCGCAGAAGATGTAGGGCCGCCGTGAAGTCTGTCAC[G>A]TTTTACTGGCTGGTTATCGTCCTGGTGTTTCTGAACACCTTAACCATTTCCTCTGAGCAC-3'
Protein context (NP_001122312.1, residues 514-534): RRCRAAVKSV[Thr524=]FYWLVIVLVF